The following is an entry in ClinVar:

NM_004380.3(CREBBP):c.6328G>T (p.Ala2110Ser)

Gene: CREBBP (CREB binding lysine acetyltransferase; minus strand). Cytogenetic location: 16p13.3.
Variant type: single nucleotide variant.
Coding change: c.6328G>T on transcript NM_004380.3 (MANE Select); coding-DNA position 6328, G replaced by T.
Protein change: p.Ala2110Ser; replaces alanine 2110 with serine.
Molecular consequence: missense variant.
Genome position (GRCh38, 1-based): chr16:3,728,719, C>A on the plus strand (G>T on the coding strand, the complement: CREBBP is on the minus strand). VCF-style: chr16-3728719-C-A. GRCh37 (hg19) VCF-style: chr16-3778720-C-A.
Other names: c.6214G>T, p.Ala2072Ser (NM_001079846.1); short protein forms A2110S, A2072S.
Identifiers: ClinVar variation 4840764 (VCV004840764.2).
Genomic context (GRCh38, chr16:3,728,719, plus strand): 5'-GGGGTTGCATGCCGGGCTGGGACTGGAGGCCAGGCTGGGGCTGCATGCCGGGCTGATTGG[C>A]CACGTACTTGGCTGTGCGCTGTTTGATGAAAGCTGCCATTAGCTGCGGGTTTGATTTGAG-3'
Protein context (NP_004371.2, residues 2100-2120): FIKQRTAKYV[Ala2110Ser]NQPGMQPQPG

ClinVar aggregate classification (germline): Conflicting classifications of pathogenicity. Review status: criteria provided, conflicting classifications (1 of 4 stars). 3 submissions from 3 submitters: Uncertain significance (2); Likely benign (1). Last evaluated 2026-08-06.

Conditions:
CREBBP-related disorder. Also called: CREBBP-related condition; CREBBP-related disorders.
Rubinstein-Taybi syndrome due to CREBBP mutations (RSTS1). Also called: CREBBP-Related Rubinstein-Taybi Syndrome; RUBINSTEIN-TAYBI SYNDROME 1, INCOMPLETE; BROAD THUMB-HALLUX SYNDROME; RUBINSTEIN SYNDROME; Rubinstein-Taybi syndrome 1; BROAD THUMBS AND GREAT TOES, CHARACTERISTIC FACIES, AND IMPAIRED INTELLECTUAL DEVELOPMENT. Identifiers: Orphanet 353277, Orphanet 783, MedGen C4551859, MONDO:0008393, OMIM 180849.
Inborn genetic diseases. Identifiers: MedGen C0950123, MeSH D030342.

gnomAD v4.1: 4 of 1,613,844 alleles (0.00025%); highest among the groups gnomAD compares: African/African-American, 0.0053%; no homozygotes.

Submissions (3):

OLLIN Analises Genomicas, OLLIN
Classification: Uncertain significance for Rubinstein-Taybi syndrome due to CREBBP mutations. Last evaluated: 2026-08-06. Review status: criteria provided, single submitter. Criteria: ACMG Guidelines 2015 PMID 25741868. Collection method: clinical testing. Allele origin: germline. Inheritance: Autosomal dominant inheritance.
Comment: This missense variant, located in exon 31 (of 31), has been observed in gnomAD with an allele frequency of 0.00025%, but has not been reported in ClinVar or identified in the literature. In silico analysis is inconclusive regarding the impact of this variant. This gene is constrained for missense variation. According to the currently available evidence, this variant has been classified as uncertain significance (PP2, BS2).

Ambry Genetics
Classification: Uncertain significance for Inborn genetic diseases. Last evaluated: 2026-03-01. Review status: criteria provided, single submitter. Criteria: Ambry Variant Classification Scheme 2023. Collection method: clinical testing. Allele origin: germline.
Comment: The c.6328G>T (p.A2110S) alteration is located in exon 31 (coding exon 31) of the CREBBP gene. This alteration results from a G to T substitution at nucleotide position 6328, causing the alanine (A) at amino acid position 2110 to be replaced by a serine (S). Based on data from gnomAD, the T allele has an overall frequency of 0.001% (3/281352) total alleles studied. The highest observed frequency was 0.012% (3/24914) of African alleles. Based on insufficient or conflicting evidence, the clinical significance of this alteration remains unclear.

PreventionGenetics, part of Exact Sciences
Classification: Likely benign for CREBBP-related condition. Last evaluated: 2025-09-16. Review status: criteria provided, single submitter. Criteria: ACMG Guidelines, 2015. Collection method: clinical testing. Allele origin: germline.
Comment: This variant is classified as likely benign based on ACMG/AMP sequence variant interpretation guidelines (Richards et al. 2015 PMID: 25741868, with internal and published modifications).